The following is an entry in ClinVar:

NM_020401.4(NUP107):c.534A>G (p.Glu178=)

Gene: NUP107 (nucleoporin 107; plus strand). Cytogenetic location: 12q15.
Variant type: single nucleotide variant.
Coding change: c.534A>G on transcript NM_020401.4 (MANE Select); coding-DNA position 534, A replaced by G.
Protein change: p.Glu178=; no amino-acid change (glutamic acid 178 retained).
Molecular consequence: synonymous variant.
Genome position (GRCh38, 1-based): chr12:68,696,904, A>G. VCF-style: chr12-68696904-A-G. GRCh37 (hg19) VCF-style: chr12-69090684-A-G.
Other names: p.Glu178=; c.447A>G, p.Glu149= (NM_001330192.2).
Identifiers: ClinVar variation 1207608 (VCV001207608.14), dbSNP rs35054844, ClinGen allele CA6677467.

ClinVar aggregate classification (germline): Benign/Likely benign. Review status: criteria provided, multiple submitters, no conflicts (2 of 4 stars). 5 submissions from 5 submitters: Benign (2); Likely benign (3). Last evaluated 2026-02-02.

Allele frequency attached by ClinVar (database versions not stated): gnomAD exomes 0.02489 and 0.02672; ExAC 0.02811; TOPMed 0.02853; ESP Exome Variant Server 0.02860; gnomAD 0.03055 and 0.03065; 1000 Genomes Project 0.03075; 1000 Genomes Project 30x 0.03264.
gnomAD v4.1: 40,478 of 1,603,550 alleles (2.5%); highest among the groups gnomAD compares: African/African-American, 4.6%; 623 homozygotes.

Submissions (5):

Labcorp Genetics (formerly Invitae), Labcorp
Classification: Benign. Last evaluated: 2026-02-02. Review status: criteria provided, single submitter. Criteria: Invitae Variant Classification Sherloc (09022015). Collection method: clinical testing. Allele origin: germline.

Blueprint Genetics
Classification: Likely benign. Last evaluated: 2024-11-27. Review status: criteria provided, single submitter. Criteria: ACMG Guidelines, 2015. Collection method: clinical testing. Allele origin: germline.

Mayo Clinic Laboratories, Mayo Clinic
Classification: Benign. Last evaluated: 2023-02-13. Review status: criteria provided, single submitter. Criteria: ACMG Guidelines, 2015. Collection method: clinical testing. Allele origin: germline. Observed: 13 variant alleles.
Comment: BS1, BS2, BP4, BP7

GeneDx
Classification: Likely benign. Last evaluated: 2021-01-28. Review status: criteria provided, single submitter. Criteria: GeneDx Variant Classification Process June 2021. Collection method: clinical testing. Allele origin: germline. Affected: yes.

Breakthrough Genomics
Classification: Likely benign. Review status: criteria provided, single submitter. Criteria: ACMG Guidelines, 2015. Collection method: not provided. Allele origin: germline. Inheritance: Autosomal recessive inheritance. Affected: yes.